The following is an entry in ClinVar:

NM_021930.6(RINT1):c.1106G>T (p.Arg369Met)

Gene: RINT1 (RAD50 interactor 1; plus strand). Cytogenetic location: 7q22.3.
Variant type: single nucleotide variant.
Coding change: c.1106G>T on transcript NM_021930.6 (MANE Select); coding-DNA position 1106, G replaced by T.
Protein change: p.Arg369Met; replaces arginine 369 with methionine.
Molecular consequence: missense variant. On other transcripts: non-coding transcript variant (1).
Genome position (GRCh38, 1-based): chr7:105,550,164, G>T. VCF-style: chr7-105550164-G-T. GRCh37 (hg19) VCF-style: chr7-105190611-G-T.
Other names: c.872G>T, p.Arg291Met (NM_001346599.2); c.83G>T, p.Arg28Met (NM_001346600.2, NM_001346603.2); c.182G>T, p.Arg61Met (NM_001346601.2); short protein forms R28M, R291M, R369M, R61M.
Identifiers: ClinVar variation 3789221 (VCV003789221.1).
Genomic context (GRCh38, chr7:105,550,164, plus strand): 5'-AATTTCTGGATGAGAAGATTCAGCCAATATTAGACAAAGTAGGCTCTTTGGTAAACGCAA[G>T]GGTAAGAGACTCAGTCATAAGTGTTTCTGTTTTAGAACTGTATGTGTGCATGGATAACTT-3'
Protein context (NP_068749.3, residues 359-379): LDKVGSLVNA[Arg369Met]LEFSRGLMML

ClinVar aggregate classification (germline): Uncertain significance (1 of 4 stars; one submission).

Submission:

Ambry Genetics
Classification: Uncertain significance. Last evaluated: 2025-01-19. Review status: criteria provided, single submitter. Criteria: Ambry Variant Classification Scheme 2023. Collection method: clinical testing. Allele origin: germline.
Comment: The p.R369M variant (also known as c.1106G>T), located in coding exon 8 of the RINT1 gene, results from a G to T substitution at nucleotide position 1106. The arginine at codon 369 is replaced by methionine, an amino acid with similar properties. This amino acid position is conserved. In addition, this alteration is predicted to be tolerated by in silico analysis. Based on the available evidence, the clinical significance of this variant remains unclear.